The following is an entry in ClinVar:

ClinVar aggregate classification (germline): Uncertain significance (1 of 4 stars; one submission).

gnomAD v4.1: 7 of 1,612,502 alleles (0.00043%); highest among the groups gnomAD compares: African/African-American, 0.0013%; no homozygotes.

Submission:

Labcorp Genetics (formerly Invitae), Labcorp
Classification: Uncertain significance. Last evaluated: 2025-05-17. Review status: criteria provided, single submitter. Criteria: Invitae Variant Classification Sherloc (09022015). Collection method: clinical testing. Allele origin: germline.
Comment: This sequence change replaces proline, which is neutral and non-polar, with alanine, which is neutral and non-polar, at codon 853 of the RNF31 protein (p.Pro853Ala). This variant is present in population databases (rs746778157, gnomAD 0.002%). This variant has not been reported in the literature in individuals affected with RNF31-related conditions. An algorithm developed to predict the effect of missense changes on protein structure and function (PolyPhen-2) suggests that this variant is likely to be disruptive. In summary, the available evidence is currently insufficient to determine the role of this variant in disease. Therefore, it has been classified as a Variant of Uncertain Significance.

NM_017999.5(RNF31):c.2557C>G (p.Pro853Ala)

Gene: RNF31 (ring finger protein 31; plus strand). Cytogenetic location: 14q12.
Variant type: single nucleotide variant.
Coding change: c.2557C>G on transcript NM_017999.5 (MANE Select); coding-DNA position 2557, C replaced by G.
Protein change: p.Pro853Ala; replaces proline 853 with alanine.
Molecular consequence: missense variant.
Genome position (GRCh38, 1-based): chr14:24,157,353, C>G. VCF-style: chr14-24157353-C-G. GRCh37 (hg19) VCF-style: chr14-24626562-C-G.
Other names: c.2104C>G, p.Pro702Ala (NM_001310332.2); short protein forms P702A, P853A.
Identifiers: ClinVar variation 4703196 (VCV004703196.1).
Genomic context (GRCh38, chr14:24,157,353, plus strand): 5'-GAGGAGCAGCACCGAGGTCGGAGCTGTGAGGACTTCCAGAACTGGAAACGCATGAACGAC[C>G]CAGAATACCAGGCCCAGGGCCTAGCAATGTATCTTCAGGAAAACGGCATTGGTAAGGCCT-3'
Protein context (NP_060469.4, residues 843-863): DFQNWKRMND[Pro853Ala]EYQAQGLAMY